The following is an entry in ClinVar:

ClinVar aggregate classification (germline): Uncertain significance (1 of 4 stars; one submission).

Conditions:
Hereditary diffuse gastric adenocarcinoma (HDGC). Also called: DIFFUSE GASTRIC AND LOBULAR BREAST CANCER SYNDROME. Identifiers: Orphanet 26106, MedGen C1708349, MONDO:0007648, OMIM 137215.

Submission:

Labcorp Genetics (formerly Invitae), Labcorp
Classification: Uncertain significance for Hereditary diffuse gastric adenocarcinoma. Last evaluated: 2025-04-20. Review status: criteria provided, single submitter. Criteria: Invitae Variant Classification Sherloc (09022015). Collection method: clinical testing. Allele origin: germline.
Comment: This sequence change falls in intron 1 of the CDH1 gene. It does not directly change the encoded amino acid sequence of the CDH1 protein. It affects a nucleotide within the consensus splice site. This variant is not present in population databases (gnomAD no frequency). This variant has not been reported in the literature in individuals affected with CDH1-related conditions. Variants that disrupt the consensus splice site are a relatively common cause of aberrant splicing (PMID: 17576681, 9536098). Algorithms developed to predict the effect of sequence changes on RNA splicing suggest that this variant may create or strengthen a splice site. In summary, the available evidence is currently insufficient to determine the role of this variant in disease. Therefore, it has been classified as a Variant of Uncertain Significance.

Literature cited by the submitters: PubMed 17576681; PubMed 9536098.

NM_004360.5(CDH1):c.49-2dup

Gene: CDH1 (cadherin 1; plus strand). Cytogenetic location: 16q22.1.
Variant type: Duplication.
Coding change: c.49-2dup on transcript NM_004360.5 (MANE Select); the canonical splice acceptor site of the intron before coding-DNA position 49, one base duplicated (A; older notation c.49-2dupA).
Molecular consequence: splice acceptor variant.
Genome position (GRCh38, 1-based): chr16:68,738,295, A duplicated. VCF-style (leftmost placement, unchanged base first): chr16-68738294-C-CA. GRCh37 (hg19) VCF-style: chr16-68772197-C-CA.
Other names: c.-1567-2dup (NM_001317185.2); c.-1771-2dup (NM_001317186.2); c.49-2dup (NM_001317184.2).
Identifiers: ClinVar variation 4717939 (VCV004717939.1).